The following is an entry in ClinVar:

NM_000355.4(TCN2):c.756C>G (p.Phe252Leu)

Gene: TCN2 (transcobalamin 2; plus strand). Cytogenetic location: 22q12.2.
Variant type: single nucleotide variant.
Coding change: c.756C>G on transcript NM_000355.4 (MANE Select); coding-DNA position 756, C replaced by G.
Protein change: p.Phe252Leu; replaces phenylalanine 252 with leucine.
Molecular consequence: missense variant.
Genome position (GRCh38, 1-based): chr22:30,615,603, C>G. VCF-style: chr22-30615603-C-G. GRCh37 (hg19) VCF-style: chr22-31011590-C-G.
Other names: c.675C>G, p.Phe225Leu (NM_001184726.2); c.756C>G (NM_000355.3); short protein forms F252L, F225L.
Identifiers: ClinVar variation 1503071 (VCV001503071.4), dbSNP rs142553702, ClinGen allele CA10184841.

ClinVar aggregate classification (germline): Conflicting classifications of pathogenicity. Review status: criteria provided, conflicting classifications (1 of 4 stars). 2 submissions from 2 submitters: Uncertain significance (1); Likely benign (1). Last evaluated 2025-02-13.

Conditions:
Inborn genetic diseases. Identifiers: MedGen C0950123, MeSH D030342.
Transcobalamin II deficiency (TCN2D). Also called: TC II DEFICIENCY; TCN2 DEFICIENCY; Transcolabamin II deficiency. Identifiers: Orphanet 859, MedGen C0342701, MONDO:0010149, OMIM 275350.

Allele frequency attached by ClinVar (database versions not stated): gnomAD exomes 0.00004; ExAC 0.00007; gnomAD 0.00012 and 0.00013; TOPMed 0.00012; ESP Exome Variant Server 0.00023.
gnomAD v4.1: 29 of 1,614,046 alleles (0.0018%); highest among the groups gnomAD compares: African/African-American, 0.032%; no homozygotes.

Submissions (2):

Ambry Genetics
Classification: Likely benign for Inborn genetic diseases. Last evaluated: 2025-02-13. Review status: criteria provided, single submitter. Criteria: Ambry Variant Classification Scheme 2023. Collection method: clinical testing. Allele origin: germline.

Labcorp Genetics (formerly Invitae), Labcorp
Classification: Uncertain significance for Transcobalamin II deficiency. Last evaluated: 2022-08-16. Review status: criteria provided, single submitter. Criteria: Invitae Variant Classification Sherloc (09022015). Collection method: clinical testing. Allele origin: germline.
Comment: This sequence change replaces phenylalanine, which is neutral and non-polar, with leucine, which is neutral and non-polar, at codon 252 of the TCN2 protein (p.Phe252Leu). This variant is present in population databases (rs142553702, gnomAD 0.05%). This variant has not been reported in the literature in individuals affected with TCN2-related conditions. ClinVar contains an entry for this variant (Variation ID: 1503071). Algorithms developed to predict the effect of missense changes on protein structure and function output the following: SIFT: "Tolerated"; PolyPhen-2: "Benign"; Align-GVGD: "Class C0". The leucine amino acid residue is found in multiple mammalian species, which suggests that this missense change does not adversely affect protein function. In summary, the available evidence is currently insufficient to determine the role of this variant in disease. Therefore, it has been classified as a Variant of Uncertain Significance.